The following is an entry in ClinVar:

NM_001199753.2(CPT1C):c.727C>T (p.Arg243Cys)

Gene: CPT1C (carnitine palmitoyltransferase 1C; plus strand). Cytogenetic location: 19q13.33.
Variant type: single nucleotide variant.
Coding change: c.727C>T on transcript NM_001199753.2 (MANE Select); coding-DNA position 727, C replaced by T.
Protein change: p.Arg243Cys; replaces arginine 243 with cysteine.
Molecular consequence: missense variant. On other transcripts: non-coding transcript variant (1).
Genome position (GRCh38, 1-based): chr19:49,704,743, C>T. VCF-style: chr19-49704743-C-T. GRCh37 (hg19) VCF-style: chr19-50208000-C-T.
Other names: c.727C>T, p.Arg243Cys (NM_001136052.3, NM_001199752.3, NM_001378482.1 and 7 more transcripts); short protein forms R243C.
Identifiers: ClinVar variation 2671628 (VCV002671628.1), dbSNP rs764347500, ClinGen allele CA309511978.

ClinVar aggregate classification (germline): Uncertain significance (1 of 4 stars; one submission).

Conditions:
Hereditary spastic paraplegia 73. Also called: Spastic paraplegia 73, autosomal dominant. Identifiers: Orphanet 444099, MedGen C5568981, MONDO:0014568, OMIM 616282.

Allele frequency attached by ClinVar (database versions not stated): gnomAD 0.00001.

Submission:

Neuberg Centre For Genomic Medicine, NCGM
Classification: Uncertain significance for Hereditary spastic paraplegia 73. Last evaluated: 2023-02-14. Review status: criteria provided, single submitter. Criteria: ACMG Guidelines, 2015. Collection method: clinical testing. Allele origin: germline. Inheritance: Autosomal dominant inheritance. Affected: yes.
Comment: The missense c.727C>T(p.Arg243Cys) variant in CPT1C gene has not been reported previously as a pathogenic variant nor as a benign variant, to our knowledge. This variant is reported with the allele frequency of 0.0004% in the gnomAD Exomes and novel in 1000 Genomes. The amino acid Arg at position 243 is changed to a Cys changing protein sequence and it might alter its composition and physico-chemical properties. The amino acid change p.Arg243Cys in CPT1C is predicted as conserved by GERP++ and PhyloP across 100 vertebrates. The variant is predicted as damaging by SIFT. For these reasons, this variant has been classified as Uncertain Significance.